The following is an entry in ClinVar:

NM_000540.3(RYR1):c.4847C>T (p.Thr1616Met)

Gene: RYR1 (ryanodine receptor 1; plus strand). Cytogenetic location: 19q13.2.
Variant type: single nucleotide variant.
Coding change: c.4847C>T on transcript NM_000540.3 (MANE Select); coding-DNA position 4847, C replaced by T.
Protein change: p.Thr1616Met; replaces threonine 1616 with methionine.
Molecular consequence: missense variant.
Genome position (GRCh38, 1-based): chr19:38,483,429, C>T. VCF-style: chr19-38483429-C-T. GRCh37 (hg19) VCF-style: chr19-38974069-C-T.
Other names: c.4847C>T, p.Thr1616Met (NM_001042723.2); short protein forms T1616M.
Identifiers: ClinVar variation 478233 (VCV000478233.21), dbSNP rs776194441, ClinGen allele CA066462.

ClinVar aggregate classification (germline): Conflicting classifications of pathogenicity. Review status: criteria provided, conflicting classifications (1 of 4 stars). 7 submissions from 7 submitters: Uncertain significance (5); Likely benign (2). Last evaluated 2025-12-09.

Conditions:
RYR1-related disorder. Also called: RYR1-related condition; RYR1-related disorders. Identifiers: MedGen CN239331.
Congenital multicore myopathy with external ophthalmoplegia (CMYO1B). Also called: MULTICORE MYOPATHY; Minicore myopathy with external ophthalmoplegia; Congenital myopathy 1B, autosomal recessive; Minicore myopathy; MULTIMINICORE DISEASE WITH EXTERNAL OPHTHALMOPLEGIA. Identifiers: Orphanet 598, Orphanet 98905, MedGen C1850674, MONDO:0009712, OMIM 255320, HP:0003789.
Malignant hyperthermia, susceptibility to, 1 (MHS1). Also called: RYR1-Related Malignant Hyperthermia Susceptibility; Malignant hyperthermia suceptibility 1; Anesthesia related hyperthermia; Malignant hyperpyrexia; Fulminating hyperpyrexia; Pharmacogenic myopathy. Identifiers: Orphanet 423, MedGen C2930980, MONDO:0007783, OMIM 145600.
Congenital myopathy with fiber type disproportion. Also called: Congenital fiber-type disproportion myopathy; Congenital fiber-type disproportion. Identifiers: Orphanet 2020, MedGen C0546264, MONDO:0009711. Inheritance: all.
Central core myopathy (CMYO1A). Also called: CONGENITAL MYOPATHY 1A, AUTOSOMAL DOMINANT, WITH SUSCEPTIBILITY TO MALIGNANT HYPERTHERMIA; Central core disease; Myopathy, central fibrillar. Identifiers: Orphanet 597, MedGen C5830701, MONDO:0007294, OMIM 117000.
King Denborough syndrome (KDS). Identifiers: MedGen C1840365, MONDO:0020485, OMIM 619542.
Inborn genetic diseases. Identifiers: MedGen C0950123, MeSH D030342.

Allele frequency attached by ClinVar (database versions not stated): ExAC 0.00011; TOPMed 0.00011; gnomAD 0.00015 and 0.00016; gnomAD exomes 0.00016.
gnomAD v4.1: 85 of 1,576,552 alleles (0.0054%); highest among the groups gnomAD compares: Admixed American, 0.081%; 1 homozygote.

Submissions (7):

Labcorp Genetics (formerly Invitae), Labcorp
Classification: Likely benign for RYR1-related disorder. Last evaluated: 2025-12-09. Review status: criteria provided, single submitter. Criteria: Invitae Variant Classification Sherloc (09022015). Collection method: clinical testing. Allele origin: germline.

GeneDx
Classification: Uncertain significance. Last evaluated: 2025-10-24. Review status: criteria provided, single submitter. Criteria: GeneDx Variant Classification Process June 2021. Collection method: clinical testing. Allele origin: germline. Affected: yes.
Comment: In silico analysis suggests that this missense variant does not alter protein structure/function; Has not been previously published as pathogenic or benign to our knowledge

PreventionGenetics, part of Exact Sciences
Classification: Uncertain significance for RYR1-related condition. Last evaluated: 2025-04-02. Review status: criteria provided, single submitter. Criteria: ACMG Guidelines, 2015. Collection method: clinical testing. Allele origin: germline.
Comment: The RYR1 c.4847C>T variant is predicted to result in the amino acid substitution p.Thr1616Met. To our knowledge, this variant has not been reported in the literature. This variant is reported in 0.087% of alleles in individuals of Latino descent in gnomAD, which may be too frequent to be a primary cause of autosomal dominant RYR1-related disorders. At this time, the clinical significance of this variant is uncertain due to the absence of conclusive functional and genetic evidence.

Revvity Omics, Revvity
Classification: Uncertain significance. Last evaluated: 2024-08-07. Review status: criteria provided, single submitter. Criteria: ACMG Guidelines, 2015. Collection method: clinical testing. Allele origin: germline.

Ambry Genetics
Classification: Uncertain significance for Inborn genetic diseases. Last evaluated: 2024-03-08. Review status: criteria provided, single submitter. Criteria: Ambry Variant Classification Scheme 2023. Collection method: clinical testing. Allele origin: germline.

Color Diagnostics, LLC DBA Color Health
Classification: Likely benign for Malignant hyperthermia, susceptibility to, 1. Last evaluated: 2022-08-18. Review status: criteria provided, single submitter. Criteria: ACMG Guidelines, 2015. Collection method: clinical testing. Allele origin: germline.

Fulgent Genetics
Classification: Uncertain significance for Central core myopathy; Malignant hyperthermia, susceptibility to, 1; Congenital myopathy 4A, autosomal dominant; Congenital multicore myopathy with external ophthalmoplegia; King Denborough syndrome. Last evaluated: 2021-09-14. Review status: criteria provided, single submitter. Criteria: ACMG Guidelines, 2015. Collection method: clinical testing. Allele origin: unknown.